The following is an entry in ClinVar:

NM_001261413.2(DCTN2):c.673G>A (p.Ala225Thr)

Gene: DCTN2 (dynactin subunit 2; minus strand). Cytogenetic location: 12q13.3.
Variant type: single nucleotide variant.
Coding change: c.673G>A on transcript NM_001261413.2 (MANE Select); coding-DNA position 673, G replaced by A.
Protein change: p.Ala225Thr; replaces alanine 225 with threonine.
Molecular consequence: missense variant. On other transcripts: non-coding transcript variant (1).
Genome position (GRCh38, 1-based): chr12:57,533,300, C>T on the plus strand (G>A on the coding strand, the complement: DCTN2 is on the minus strand). VCF-style: chr12-57533300-C-T. GRCh37 (hg19) VCF-style: chr12-57927083-C-T.
Other names: c.679G>A, p.Ala227Thr (NM_001261412.2); c.808G>A, p.Ala270Thr (NM_001348065.2); c.604G>A, p.Ala202Thr (NM_001348066.2); c.412G>A, p.Ala138Thr (NM_001348067.2, NM_001348068.2); c.688G>A, p.Ala230Thr (NM_006400.5); short protein forms A138T, A202T, A225T, A227T, A230T, A270T.
Identifiers: ClinVar variation 1701205 (VCV001701205.31), dbSNP rs200168725, ClinGen allele CA6652198.

ClinVar aggregate classification (germline): Likely benign (1 of 4 stars; one submission).

Allele frequency attached by ClinVar (database versions not stated): gnomAD 0.00014 and 0.00015; ESP Exome Variant Server 0.00016; TOPMed 0.00016; gnomAD exomes 0.00027 and 0.00028; ExAC 0.00035.
gnomAD v4.1: 412 of 1,613,874 alleles (0.026%); highest among the groups gnomAD compares: South Asian, 0.099%; 3 homozygotes.

Submission:

CeGaT Center for Human Genetics Tuebingen
Classification: Likely benign. Last evaluated: 2022-07-01. Review status: criteria provided, single submitter. Criteria: CeGaT Center For Human Genetics Tuebingen Variant Classification Criteria Version 2. Collection method: clinical testing. Allele origin: germline. Affected: yes. Observed: 1 variant allele.
Comment: DCTN2: BS2